The following is an entry in ClinVar:

ClinVar aggregate classification (germline): Likely pathogenic (1 of 4 stars; one submission).

Conditions:
Tay-Sachs disease (TSD). Also called: GM2 gangliosidosis, type 1; Hexosaminidase alpha-subunit deficiency (variant B); Sphingolipidosis, Tay-Sachs; Hexosaminidase A Deficiency; HEXA DEFICIENCY; HEXA Disorders. Identifiers: Orphanet 845, MedGen C0039373, MONDO:0010100, OMIM 272800.

Submission:

Myriad Genetics, Inc.
Classification: Likely pathogenic for Tay-Sachs disease. Last evaluated: 2022-01-02. Review status: criteria provided, single submitter. Criteria: Myriad Women's Health Autosomal Recessive and X-Linked Classification Criteria (2021). Collection method: clinical testing. Allele origin: unknown.
Comment: NM_000520.4(HEXA):c.400_401delGG(G134Sfs*9) is expected to be pathogenic in the context of hexosaminidase A deficiency. This variant is predicted to lead to an abnormal or absent protein product due to the creation of a premature termination codon in HEXA, a gene where loss-of-function variants are known to be pathogenic. Please note: this variant was assessed in the context of healthy population screening.

NM_000520.6(HEXA):c.400_401del (p.Gly134fs)

Gene: HEXA (hexosaminidase subunit alpha; minus strand). Cytogenetic location: 15q23.
Variant type: Deletion.
Coding change: c.400_401del on transcript NM_000520.6 (MANE Select); coding-DNA positions 400 to 401, 2 bases deleted (GG; older notation c.400_401delGG).
Protein change: p.Gly134fs; shifts the reading frame from glycine 134.
Molecular consequence: frameshift variant. On other transcripts: non-coding transcript variant (1).
Genome position (GRCh38, 1-based): chr15:72,355,570-72,355,571, CC deleted on the plus strand (GG on the coding strand, the reverse complement: HEXA is on the minus strand); deleting any 2 consecutive bases within chr15:72,355,570-72,355,573 gives the same sequence; the c. name uses the placement nearest the transcript's 3' end. VCF-style (leftmost placement, unchanged base first): chr15-72355569-TCC-T. GRCh37 (hg19) VCF-style: chr15-72647910-TCC-T.
Other names: c.433_434del, p.Gly145fs (NM_001318825.2); short protein forms G134fs, G145fs.
Identifiers: ClinVar variation 1726761 (VCV001726761.2), dbSNP rs2542537779, ClinGen allele CA2580089978.
Genomic context (GRCh38, chr15:72,355,569, plus strand): 5'-TTCCCACATCATCCTTTCTCTCTCTCTTTTAATCAGCCCCAATTTGTTACCTCGGAGAGC[TCC>T]CCAGACAGTCTCAGAGAGGAGTAAACACTGGTCATCATTTATGGTCAGGGTATCTGAAAT-3'